The following is an entry in ClinVar:

NM_022841.7(RFX7):c.625G>A (p.Gly209Arg)

Gene: RFX7 (regulatory factor X7; minus strand). Cytogenetic location: 15q21.3.
Variant type: single nucleotide variant.
Coding change: c.625G>A on transcript NM_022841.7 (MANE Select); coding-DNA position 625, G replaced by A.
Protein change: p.Gly209Arg; replaces glycine 209 with arginine.
Molecular consequence: missense variant.
Genome position (GRCh38, 1-based): chr15:56,101,545, C>T on the plus strand (G>A on the coding strand, the complement: RFX7 is on the minus strand). VCF-style: chr15-56101545-C-T. GRCh37 (hg19) VCF-style: chr15-56393743-C-T.
Other names: c.334G>A, p.Gly112Arg (NM_001368073.2, NM_001368074.1, NM_001370554.1); c.625G>A, p.Gly209Arg (NM_001370561.1); short protein forms G112R, G209R.
Identifiers: ClinVar variation 4527452 (VCV004527452.1).

ClinVar aggregate classification (germline): Uncertain significance (1 of 4 stars; one submission).

Submission:

GeneDx
Classification: Uncertain significance. Last evaluated: 2025-04-28. Review status: criteria provided, single submitter. Criteria: GeneDx Variant Classification Process June 2021. Collection method: clinical testing. Allele origin: germline. Affected: yes.
Comment: Not observed at significant frequency in large population cohorts (gnomAD); In silico analysis indicates that this missense variant does not alter protein structure/function; Has not been previously published as pathogenic or benign to our knowledge